The following is an entry in ClinVar:

ClinVar aggregate classification (germline): Uncertain significance. Review status: criteria provided, multiple submitters, no conflicts (2 of 4 stars). 10 submissions from 9 submitters: Uncertain significance (8). 2 of the submissions do not count toward it. Last evaluated 2025-02-26.

Conditions:
Usher syndrome type 2A. Also called: USHER SYNDROME, TYPE IIA; RETINAL DISEASE IN USHER SYNDROME TYPE IIA, MODIFIER OF. Identifiers: Orphanet 231178, Orphanet 886, MedGen C1848634, MONDO:0010169, OMIM 276901.
Retinitis pigmentosa 39 (RP39). Identifiers: Orphanet 791, MedGen C3151138, MONDO:0013436, OMIM 613809.

Allele frequency attached by ClinVar (database versions not stated): ExAC 0.00002; gnomAD 0.00004 and 0.00005; TOPMed 0.00004; gnomAD exomes 0.00005.
gnomAD v4.1: 106 of 1,614,162 alleles (0.0066%); highest among the groups gnomAD compares: Middle Eastern, 0.082%; no homozygotes.

Submissions (10):

GeneDx
Classification: Uncertain significance. Last evaluated: 2025-02-26. Review status: criteria provided, single submitter. Criteria: GeneDx Variant Classification Process June 2021. Collection method: clinical testing. Allele origin: germline.
Comment: Reported without a second variant in a patient with family history of hearing loss in published literature (Almontashiri et al., 2018); additional information is limited; In silico analysis supports that this missense variant has a deleterious effect on protein structure/function; This variant is associated with the following publications: (PMID: 29048421)

Genome-Nilou Lab
Classification: Uncertain significance for Retinitis pigmentosa 39. Last evaluated: 2023-11-04. Review status: criteria provided, single submitter. Criteria: ACMG Guidelines, 2015. Collection method: clinical testing. Allele origin: germline. Affected: no.

Genome-Nilou Lab
Classification: Uncertain significance for Usher syndrome type 2A. Last evaluated: 2023-11-04. Review status: criteria provided, single submitter. Criteria: ACMG Guidelines, 2015. Collection method: clinical testing. Allele origin: germline. Affected: no.

Blueprint Genetics
Classification: Uncertain significance. Last evaluated: 2023-06-16. Review status: criteria provided, single submitter. Criteria: ACMG Guidelines, 2015. Collection method: clinical testing. Allele origin: germline.

Labcorp Genetics (formerly Invitae), Labcorp
Classification: Uncertain significance. Last evaluated: 2022-10-25. Review status: criteria provided, single submitter. Criteria: Invitae Variant Classification Sherloc (09022015). Collection method: clinical testing. Allele origin: germline.
Comment: This sequence change replaces proline, which is neutral and non-polar, with leucine, which is neutral and non-polar, at codon 5094 of the USH2A protein (p.Pro5094Leu). This variant is present in population databases (rs727503714, gnomAD 0.01%). This variant has not been reported in the literature in individuals affected with USH2A-related conditions. ClinVar contains an entry for this variant (Variation ID: 166415). Advanced modeling of protein sequence and biophysical properties (such as structural, functional, and spatial information, amino acid conservation, physicochemical variation, residue mobility, and thermodynamic stability) performed at Invitae indicates that this missense variant is not expected to disrupt USH2A protein function. In summary, the available evidence is currently insufficient to determine the role of this variant in disease. Therefore, it has been classified as a Variant of Uncertain Significance.

Fulgent Genetics
Classification: Uncertain significance for Usher syndrome type 2A; Retinitis pigmentosa 39. Last evaluated: 2022-03-09. Review status: criteria provided, single submitter. Criteria: ACMG Guidelines, 2015. Collection method: clinical testing. Allele origin: unknown.

Laboratory for Molecular Medicine, Mass General Brigham Personalized Medicine
Classification: Uncertain significance. Last evaluated: 2014-06-10. Review status: criteria provided, single submitter. Criteria: LMM Criteria. Collection method: clinical testing. Allele origin: germline. Observed: 1 variant allele.
Comment: Variant classified as Uncertain Significance - Favor Benign. The Pro5094Leu vari ant in USH2A has not been previously reported in individuals with hearing loss a nd was absent from large population studies. The proline (Pro) at position 5094 is not conserved in mammals or evolutionary distant species, suggesting that var iation at this position may be tolerated. Other computational prediction tools d o not provide strong support for or against an impact to the protein. In summary , the clinical significance of this variant cannot be determined with certainty; however, based upon conservation data, we would lean towards a more likely beni gn role.

Breakthrough Genomics
Classification: Uncertain significance. Review status: criteria provided, single submitter. Criteria: ACMG Guidelines, 2015. Collection method: not provided. Allele origin: germline. Inheritance: Autosomal recessive inheritance. Affected: yes.

Natera, Inc.
Classification: Uncertain significance for Usher syndrome type 2A. Last evaluated: 2020-01-16. Review status: no assertion criteria provided. Collection method: clinical testing. Allele origin: germline. Not counted in ClinVar's aggregate classification.

Counsyl
Classification: Uncertain significance for Usher syndrome type 2A; Retinitis pigmentosa 39. Last evaluated: 2017-04-04. Review status: no assertion criteria provided. Collection method: clinical testing. Allele origin: unknown. Not counted in ClinVar's aggregate classification.

NM_206933.4(USH2A):c.15281C>T (p.Pro5094Leu)

Gene: USH2A (usherin; minus strand). Cytogenetic location: 1q41.
Variant type: single nucleotide variant.
Coding change: c.15281C>T on transcript NM_206933.4 (MANE Select); coding-DNA position 15281, C replaced by T.
Protein change: p.Pro5094Leu; replaces proline 5094 with leucine.
Molecular consequence: missense variant.
Genome position (GRCh38, 1-based): chr1:215,634,475, G>A on the plus strand (C>T on the coding strand, the complement: USH2A is on the minus strand). VCF-style: chr1-215634475-G-A. GRCh37 (hg19) VCF-style: chr1-215807817-G-A.
Other names: short protein forms P5094L.
Identifiers: ClinVar variation 166415 (VCV000166415.15), dbSNP rs727503714, ClinGen allele CA179503.